The following is an entry in ClinVar:

NM_006514.4(SCN10A):c.1625G>T (p.Gly542Val)

Gene: SCN10A (sodium voltage-gated channel alpha subunit 10; minus strand). Cytogenetic location: 3p22.2.
Variant type: single nucleotide variant.
Coding change: c.1625G>T on transcript NM_006514.4 (MANE Select); coding-DNA position 1625, G replaced by T.
Protein change: p.Gly542Val; replaces glycine 542 with valine.
Molecular consequence: missense variant. On other transcripts: intron variant (1).
Genome position (GRCh38, 1-based): chr3:38,752,349, C>A on the plus strand (G>T on the coding strand, the complement: SCN10A is on the minus strand). VCF-style: chr3-38752349-C-A. GRCh37 (hg19) VCF-style: chr3-38793840-C-A.
Other names: c.1625G>T, p.Gly542Val (NM_001293306.2); c.1462-2165G>T (NM_001293307.2); short protein forms G542V.
Identifiers: ClinVar variation 5029093 (VCV005029093.1).

ClinVar aggregate classification (germline): Uncertain significance (1 of 4 stars; one submission).

Conditions:
Cardiovascular phenotype. Identifiers: MedGen CN230736.

gnomAD v4.1: 8 of 1,613,384 alleles (0.0005%); highest among the groups gnomAD compares: East Asian, 0.018%; no homozygotes.

Submission:

Ambry Genetics
Classification: Uncertain significance for Cardiovascular phenotype. Last evaluated: 2026-08-03. Review status: criteria provided, single submitter. Criteria: Ambry Variant Classification Scheme 2023. Collection method: clinical testing. Allele origin: germline.
Comment: The p.G542V variant (also known as c.1625G>T), located in coding exon 11 of the SCN10A gene, results from a G to T substitution at nucleotide position 1625. The glycine at codon 542 is replaced by valine, an amino acid with dissimilar properties. This amino acid position is conserved. In addition, this alteration is predicted to be tolerated by in silico analysis. Based on the available evidence, the clinical significance of this variant remains unclear.